The following is an entry in ClinVar:

NM_000179.3(MSH6):c.1539C>A (p.Ile513=)

Gene: MSH6 (mutS homolog 6; plus strand). Cytogenetic location: 2p16.3.
Variant type: single nucleotide variant.
Coding change: c.1539C>A on transcript NM_000179.3 (MANE Select); coding-DNA position 1539, C replaced by A.
Protein change: p.Ile513=; no amino-acid change (isoleucine 513 retained).
Molecular consequence: synonymous variant.
Genome position (GRCh38, 1-based): chr2:47,799,522, C>A. VCF-style: chr2-47799522-C-A. GRCh37 (hg19) VCF-style: chr2-48026661-C-A.
Other names: c.1149C>A, p.Ile383= (NM_001281492.2); c.633C>A, p.Ile211= (NM_001281493.2, NM_001281494.2).
Identifiers: ClinVar variation 509534 (VCV000509534.9), dbSNP rs876660656, ClinGen allele CA426121215.
Genomic context (GRCh38, chr2:47,799,522, plus strand): 5'-GGCACGATGTAGAAAGATGGCACATATATCCAAGTATGATAGAGTGGTGAGGAGGGAGAT[C>A]TGTAGGATCATTACCAAGGGTACACAGACTTACAGTGTGCTGGAAGGTGATCCCTCTGAG-3'
Protein context (NP_000170.1, residues 503-523): SKYDRVVRRE[Ile513=]CRIITKGTQT

ClinVar aggregate classification (germline): Benign/Likely benign. Review status: criteria provided, multiple submitters, no conflicts (2 of 4 stars). 4 submissions from 4 submitters: Benign (1); Likely benign (3). Last evaluated 2025-10-22.

Conditions:
Hereditary nonpolyposis colorectal neoplasms. Identifiers: MedGen C0009405, MeSH D003123.
Hereditary cancer-predisposing syndrome. Also called: Hereditary neoplastic syndrome; Hereditary Cancer Syndrome; Neoplastic Syndromes, Hereditary; Tumor predisposition. Identifiers: Orphanet 140162, MedGen C0027672, MeSH D009386, MONDO:0015356.
Lynch syndrome 5 (LYNCH5). Also called: Hereditary non-polyposis colorectal cancer, type 5; Colorectal cancer, hereditary nonpolyposis, type 5. Identifiers: Orphanet 144, MedGen C1833477, MONDO:0013710, OMIM 614350. Disease mechanism: loss of function.

Allele frequency attached by ClinVar (database versions not stated): TOPMed below 0.00001; gnomAD 0.00001.
gnomAD v4.1: 1 of 1,614,016 alleles (0.000062%); highest among the groups gnomAD compares: Non-Finnish European, 0.000085%; no homozygotes.

Submissions (4):

Labcorp Genetics (formerly Invitae), Labcorp
Classification: Likely benign for Hereditary nonpolyposis colorectal neoplasms. Last evaluated: 2025-10-22. Review status: criteria provided, single submitter. Criteria: Invitae Variant Classification Sherloc (09022015). Collection method: clinical testing. Allele origin: germline.

Myriad Genetics, Inc.
Classification: Benign for Lynch syndrome 5. Last evaluated: 2024-12-26. Review status: criteria provided, single submitter. Criteria: Myriad Autosomal Dominant, Autosomal Recessive and X-Linked Classification Criteria (2023). Collection method: clinical testing. Allele origin: unknown.
Comment: This variant is considered benign. This variant is a silent/synonymous amino acid change and it is not expected to impact splicing.

Ambry Genetics
Classification: Likely benign for Hereditary cancer-predisposing syndrome. Last evaluated: 2019-04-03. Review status: criteria provided, single submitter. Criteria: Ambry Variant Classification Scheme 2023. Collection method: clinical testing. Allele origin: germline.

GeneDx
Classification: Likely benign. Last evaluated: 2017-05-09. Review status: criteria provided, single submitter. Criteria: GeneDx Variant Classification (06012015). Collection method: clinical testing. Allele origin: germline. Affected: yes.
Comment: This variant is considered likely benign or benign based on one or more of the following criteria: it is a conservative change, it occurs at a poorly conserved position in the protein, it is predicted to be benign by multiple in silico algorithms, and/or has population frequency not consistent with disease.